The following is an entry in ClinVar:

ClinVar aggregate classification (germline): Uncertain significance. Review status: criteria provided, multiple submitters, no conflicts (2 of 4 stars). 3 submissions from 3 submitters: Uncertain significance (3). Last evaluated 2024-06-04.

Conditions:
Classic or attenuated familial adenomatous polyposis. Identifiers: MedGen CN372698, MONDO:0021057.
Familial adenomatous polyposis 1 (FAP1). Also called: FAMILIAL ADENOMATOUS POLYPOSIS 1, ATTENUATED; POLYPOSIS, ADENOMATOUS INTESTINAL. Identifiers: MedGen C2713442, MONDO:0021056, OMIM 175100. Disease mechanism: loss of function.

Allele frequency attached by ClinVar (database versions not stated): gnomAD exomes below 0.00001.

Submissions (3):

Labcorp Genetics (formerly Invitae), Labcorp
Classification: Uncertain significance for Familial adenomatous polyposis 1. Last evaluated: 2024-06-04. Review status: criteria provided, single submitter. Criteria: Invitae Variant Classification Sherloc (09022015). Collection method: clinical testing. Allele origin: germline.
Comment: This sequence change replaces proline, which is neutral and non-polar, with serine, which is neutral and polar, at codon 1775 of the APC protein (p.Pro1775Ser). This variant is not present in population databases (gnomAD no frequency). This variant has not been reported in the literature in individuals affected with APC-related conditions. ClinVar contains an entry for this variant (Variation ID: 2015846). Advanced modeling of protein sequence and biophysical properties (such as structural, functional, and spatial information, amino acid conservation, physicochemical variation, residue mobility, and thermodynamic stability) performed at Invitae indicates that this missense variant is not expected to disrupt APC protein function with a negative predictive value of 95%. In summary, the available evidence is currently insufficient to determine the role of this variant in disease. Therefore, it has been classified as a Variant of Uncertain Significance.

All of Us Research Program, National Institutes of Health
Classification: Uncertain significance for Classic or attenuated familial adenomatous polyposis. Last evaluated: 2023-11-30. Review status: criteria provided, single submitter. Criteria: ACMG Guidelines, 2015. Collection method: clinical testing. Allele origin: germline. Inheritance: Autosomal dominant inheritance. Observed: 1 variant allele, 1 heterozygote.
Comment: This study involves interpretation of variants in research participants for the purpose of population health screening. Participant phenotype was not available at the time of variant classification. Additional details can be found in publication PMID: 35346344, PMCID: PMC8962531

GeneDx
Classification: Uncertain significance. Last evaluated: 2023-11-28. Review status: criteria provided, single submitter. Criteria: GeneDx Variant Classification Process June 2021. Collection method: clinical testing. Allele origin: germline. Affected: yes.
Comment: Not observed at significant frequency in large population cohorts (gnomAD); In silico analysis supports that this missense variant does not alter protein structure/function; Observed only in unaffected controls in a study of biliary tract cancer (PMID: 36243179); This variant is associated with the following publications: (PMID: 36243179, 18199528)

NM_000038.6(APC):c.5323C>T (p.Pro1775Ser)

Gene: APC (APC regulator of Wnt signaling pathway; plus strand). Cytogenetic location: 5q22.2.
Variant type: single nucleotide variant.
Coding change: c.5323C>T on transcript NM_000038.6 (MANE Select); coding-DNA position 5323, C replaced by T.
Protein change: p.Pro1775Ser; replaces proline 1775 with serine.
Molecular consequence: missense variant.
Genome position (GRCh38, 1-based): chr5:112,840,917, C>T. VCF-style: chr5-112840917-C-T. GRCh37 (hg19) VCF-style: chr5-112176614-C-T.
Other names: c.4171C>T, p.Pro1391Ser (NM_001407472.1, NM_001407471.1); c.5323C>T (NM_000038.5); c.5323C>T, p.Pro1775Ser (NM_001127510.3, NM_001354895.2, NM_001407450.1); c.5269C>T, p.Pro1757Ser (NM_001127511.3); c.5377C>T, p.Pro1793Ser (NM_001354896.2, NM_001407447.1, NM_001407448.1 and 1 more transcripts); c.5353C>T, p.Pro1785Ser (NM_001354897.2); c.5248C>T, p.Pro1750Ser (NM_001354898.2); c.5239C>T, p.Pro1747Ser (NM_001354899.2); and 12 more; short protein forms P1492S, P1649S, P1674S, P1757S, P1785S, P1793S, P1391S, P1646S.
Identifiers: ClinVar variation 2015846 (VCV002015846.6), dbSNP rs533469002, ClinGen allele CA16032970.